The following is an entry in ClinVar:

NM_000061.3(BTK):c.1358C>T (p.Ser453Phe)

Gene: BTK (Bruton tyrosine kinase; minus strand). Cytogenetic location: Xq22.1.
Variant type: single nucleotide variant.
Coding change: c.1358C>T on transcript NM_000061.3 (MANE Select); coding-DNA position 1358, C replaced by T.
Protein change: p.Ser453Phe; replaces serine 453 with phenylalanine.
Molecular consequence: missense variant. On other transcripts: intron variant (1).
Genome position (GRCh38, 1-based): chrX:101,356,260, G>A on the plus strand (C>T on the coding strand, the complement: BTK is on the minus strand). VCF-style: chrX-101356260-G-A. GRCh37 (hg19) VCF-style: chrX-100611248-G-A.
Other names: c.1460C>T, p.Ser487Phe (NM_001287344.2); c.1039-1566C>T (NM_001287345.2); short protein forms S487F, S453F.
Identifiers: ClinVar variation 858681 (VCV000858681.9), dbSNP rs782457670, ClinGen allele CA10473018.
Genomic context (GRCh38, chrX:101,356,260, plus strand): 5'-ATGATGAAGATGGGGCGCTGCTTGGTGCAGACGCCATACAACTGCACCAGCTTCTCATGG[G>A]AAAGATTCCTACAGGAAAGGCAAGGAACTAGTCTTCTCCTTTTGGCTCTGCATAATAGCA-3'
Protein context (NP_000052.1, residues 443-463): IEEAKVMMNL[Ser453Phe]HEKLVQLYGV

ClinVar aggregate classification (germline): Uncertain significance (1 of 4 stars; one submission).

Conditions:
X-linked agammaglobulinemia with growth hormone deficiency (IGHD3). Also called: FLEISHER SYNDROME; HYPOGAMMAGLOBULINEMIA AND ISOLATED GROWTH HORMONE DEFICIENCY, X-LINKED; IGHD III; Isolated growth hormone deficiency type 3; Growth hormone deficiency with hypogammaglobulinemia; ISOLATED GROWTH HORMONE DEFICIENCY, TYPE III, WITH AGAMMAGLOBULINEMIA. Identifiers: Orphanet 231692, Orphanet 631, MedGen C0472813, MONDO:0010615, OMIM 307200.

Allele frequency attached by ClinVar (database versions not stated): ExAC below 0.00001; gnomAD exomes below 0.00001; TOPMed 0.00001; gnomAD 0.00003.
gnomAD v4.1: 8 of 1,208,410 alleles (0.00066%); highest among the groups gnomAD compares: Admixed American, 0.0044%; 1 homozygote.

Submission:

Labcorp Genetics (formerly Invitae), Labcorp
Classification: Uncertain significance for X-linked agammaglobulinemia with growth hormone deficiency. Last evaluated: 2022-07-06. Review status: criteria provided, single submitter. Criteria: Invitae Variant Classification Sherloc (09022015). Collection method: clinical testing. Allele origin: germline.
Comment: This variant is present in population databases (rs782457670, gnomAD 0.009%). This sequence change replaces serine, which is neutral and polar, with phenylalanine, which is neutral and non-polar, at codon 453 of the BTK protein (p.Ser453Phe). This variant has not been reported in the literature in individuals affected with BTK-related conditions. ClinVar contains an entry for this variant (Variation ID: 858681). Algorithms developed to predict the effect of missense changes on protein structure and function are either unavailable or do not agree on the potential impact of this missense change (SIFT: "Tolerated"; PolyPhen-2: "Probably Damaging"; Align-GVGD: "Class C0"). In summary, the available evidence is currently insufficient to determine the role of this variant in disease. Therefore, it has been classified as a Variant of Uncertain Significance.